The following is an entry in ClinVar:

NM_020297.4(ABCC9):c.3257C>A (p.Thr1086Asn)

Gene: ABCC9 (ATP binding cassette subfamily C member 9; minus strand). Cytogenetic location: 12p12.1.
Variant type: single nucleotide variant.
Coding change: c.3257C>A on transcript NM_020297.4 (MANE Select); coding-DNA position 3257, C replaced by A.
Protein change: p.Thr1086Asn; replaces threonine 1086 with asparagine.
Molecular consequence: missense variant.
Genome position (GRCh38, 1-based): chr12:21,844,541, G>T on the plus strand (C>A on the coding strand, the complement: ABCC9 is on the minus strand). VCF-style: chr12-21844541-G-T. GRCh37 (hg19) VCF-style: chr12-21997475-G-T.
Other names: c.3257C>A, p.Thr1086Asn (NM_001377273.1, NM_005691.4); c.2390C>A, p.Thr797Asn (NM_001377274.1); short protein forms T1086N, T797N.
Identifiers: ClinVar variation 1983781 (VCV001983781.4), dbSNP rs1944536857, ClinGen allele CA384118203.
Genomic context (GRCh38, chr12:21,844,541, plus strand): 5'-ACCTGATCAATGATATTAGTATCAGCTGAAAAGCGATTGAGAATCAGTCCCAGGGGTGTG[G>T]TATCAAAAAACCTAGGCAATAAACAGATGGAAGTATATGATAATACTAAACTATTTGGAA-3'
Protein context (NP_064693.2, residues 1076-1096): IILGPIRFFD[Thr1086Asn]TPLGLILNRF

ClinVar aggregate classification (germline): Uncertain significance (1 of 4 stars; one submission).

Conditions:
Dilated cardiomyopathy 1O (CMD1O). Also called: CARDIOMYOPATHY, DILATED, WITH VENTRICULAR TACHYCARDIA. Identifiers: Orphanet 154, MedGen C1837839, MONDO:0012062, OMIM 608569.

Allele frequency attached by ClinVar (database versions not stated): TOPMed below 0.00001.

Submission:

Labcorp Genetics (formerly Invitae), Labcorp
Classification: Uncertain significance for Dilated cardiomyopathy 1O. Last evaluated: 2022-04-28. Review status: criteria provided, single submitter. Criteria: Invitae Variant Classification Sherloc (09022015). Collection method: clinical testing. Allele origin: germline.
Comment: In summary, the available evidence is currently insufficient to determine the role of this variant in disease. Therefore, it has been classified as a Variant of Uncertain Significance. Algorithms developed to predict the effect of missense changes on protein structure and function are either unavailable or do not agree on the potential impact of this missense change (SIFT: "Deleterious"; PolyPhen-2: "Possibly Damaging"; Align-GVGD: "Class C0"). This variant has not been reported in the literature in individuals affected with ABCC9-related conditions. This variant is not present in population databases (gnomAD no frequency). This sequence change replaces threonine, which is neutral and polar, with asparagine, which is neutral and polar, at codon 1086 of the ABCC9 protein (p.Thr1086Asn).